The following is an entry in ClinVar:

ClinVar aggregate classification (germline): Uncertain significance (1 of 4 stars; one submission).

Submission:

Labcorp Genetics (formerly Invitae), Labcorp
Classification: Uncertain significance. Last evaluated: 2022-11-01. Review status: criteria provided, single submitter. Criteria: Invitae Variant Classification Sherloc (09022015). Collection method: clinical testing. Allele origin: unknown.
Comment: A copy number gain of the genomic region encompassing the full coding sequence of the NT5C3A gene has been identified. The boundaries of this event are unknown as they extend beyond the assayed region for this gene and therefore may encompass additional genes. As the precise location of this event is unknown, it may be in tandem or it may be located elsewhere in the genome. In summary, the available evidence is currently insufficient to determine the role of this variant in disease. Therefore, it has been classified as a Variant of Uncertain Significance. This variant has not been reported in the literature in individuals affected with NT5C3A-related conditions.

NC_000007.13:g.(?_33054342)_(33192483_?)dup

Genes: BBS9 (Bardet-Biedl syndrome 9; plus strand), NT5C3A (5'-nucleotidase, cytosolic IIIA; minus strand), RP9 (RP9 pre-mRNA splicing factor; minus strand). Cytogenetic location: 7p14.3.
Variant type: Duplication.
Identifiers: ClinVar variation 3245920 (VCV003245920.1).